The following is an entry in ClinVar:

ClinVar aggregate classification (germline): Uncertain significance. Review status: criteria provided, multiple submitters, no conflicts (2 of 4 stars). 2 submissions from 2 submitters: Uncertain significance (2). Last evaluated 2025-10-23.

Conditions:
Inborn genetic diseases. Identifiers: MedGen C0950123, MeSH D030342.
Myasthenic syndrome, congenital, 22 (CMS22). Also called: PREPL DEFICIENCY. Identifiers: MedGen C4479088, MONDO:0044299, OMIM 616224.

Allele frequency attached by ClinVar (database versions not stated): ExAC 0.00002; gnomAD exomes 0.00002; gnomAD 0.00003; TOPMed 0.00007.
gnomAD v4.1: 34 of 1,613,192 alleles (0.0021%); highest among the groups gnomAD compares: Admixed American, 0.017%; no homozygotes.

Submissions (2):

Ambry Genetics
Classification: Uncertain significance for Inborn genetic diseases. Last evaluated: 2025-10-23. Review status: criteria provided, single submitter. Criteria: Ambry Variant Classification Scheme 2023. Collection method: clinical testing. Allele origin: germline.

Labcorp Genetics (formerly Invitae), Labcorp
Classification: Uncertain significance for Myasthenic syndrome, congenital, 22. Last evaluated: 2025-10-21. Review status: criteria provided, single submitter. Criteria: Invitae Variant Classification Sherloc (09022015). Collection method: clinical testing. Allele origin: germline.
Comment: This sequence change replaces asparagine, which is neutral and polar, with serine, which is neutral and polar, at codon 241 of the PREPL protein (p.Asn241Ser). This variant is present in population databases (rs763348800, gnomAD 0.009%). This variant has not been reported in the literature in individuals affected with PREPL-related conditions. ClinVar contains an entry for this variant (Variation ID: 643899). Invitae Evidence Modeling of protein sequence and biophysical properties (such as structural, functional, and spatial information, amino acid conservation, physicochemical variation, residue mobility, and thermodynamic stability) indicates that this missense variant is not expected to disrupt PREPL protein function with a negative predictive value of 80%. In summary, the available evidence is currently insufficient to determine the role of this variant in disease. Therefore, it has been classified as a Variant of Uncertain Significance.

NM_001171613.2(PREPL):c.455A>G (p.Asn152Ser)

Gene: PREPL (prolyl endopeptidase like; minus strand). Cytogenetic location: 2p21.
Variant type: single nucleotide variant.
Coding change: c.455A>G on transcript NM_001171613.2 (MANE Select); coding-DNA position 455, A replaced by G.
Protein change: p.Asn152Ser; replaces asparagine 152 with serine.
Molecular consequence: missense variant.
Genome position (GRCh38, 1-based): chr2:44,342,447, T>C on the plus strand (A>G on the coding strand, the complement: PREPL is on the minus strand). VCF-style: chr2-44342447-T-C. GRCh37 (hg19) VCF-style: chr2-44569586-T-C.
Other names: c.722A>G, p.Asn241Ser (NM_006036.4, NM_001042385.2, NM_001042386.2 and 4 more transcripts); c.455A>G, p.Asn152Ser (NM_001171617.1, NM_001374277.1); short protein forms N152S, N241S.
Identifiers: ClinVar variation 643899 (VCV000643899.8), dbSNP rs763348800, ClinGen allele CA1641470.